The following is an entry in ClinVar:

NM_005228.5(EGFR):c.1605C>G (p.Cys535Trp)

Gene: EGFR (epidermal growth factor receptor; plus strand). Cytogenetic location: 7p11.2.
Variant type: single nucleotide variant.
Coding change: c.1605C>G on transcript NM_005228.5 (MANE Select); coding-DNA position 1605, C replaced by G.
Protein change: p.Cys535Trp; replaces cysteine 535 with tryptophan.
Molecular consequence: missense variant.
Genome position (GRCh38, 1-based): chr7:55,161,605, C>G. VCF-style: chr7-55161605-C-G. GRCh37 (hg19) VCF-style: chr7-55229298-C-G.
Other names: c.1470C>G, p.Cys490Trp (NM_001346897.2, NM_001346899.2); c.1605C>G, p.Cys535Trp (NM_001346898.2, NM_201282.2, NM_201284.2); c.1446C>G, p.Cys482Trp (NM_001346900.2); c.804C>G, p.Cys268Trp (NM_001346941.2); short protein forms C482W, C535W, C490W, C268W.
Identifiers: ClinVar variation 3696516 (VCV003696516.2).
Genomic context (GRCh38, chr7:55,161,605, plus strand): 5'-CTGGGGCCCGGAGCCCAGGGACTGCGTCTCTTGCCGGAATGTCAGCCGAGGCAGGGAATG[C>G]GTGGACAAGTGCAACCTTCTGGAGGGGTAGGAGGTTATTTCTTTAATCCCCTTGCGTTGA-3'
Protein context (NP_005219.2, residues 525-545): SCRNVSRGRE[Cys535Trp]VDKCNLLEGE

ClinVar aggregate classification (germline): Uncertain significance (1 of 4 stars; one submission).

Conditions:
EGFR-related lung cancer (EGFR). Identifiers: MedGen CN130014.

Submission:

Labcorp Genetics (formerly Invitae), Labcorp
Classification: Uncertain significance for EGFR-related lung cancer. Last evaluated: 2024-09-12. Review status: criteria provided, single submitter. Criteria: Invitae Variant Classification Sherloc (09022015). Collection method: clinical testing. Allele origin: germline.
Comment: This sequence change replaces cysteine, which is neutral and slightly polar, with tryptophan, which is neutral and slightly polar, at codon 535 of the EGFR protein (p.Cys535Trp). This variant is not present in population databases (gnomAD no frequency). This variant has not been reported in the literature in individuals affected with EGFR-related conditions. Invitae Evidence Modeling of protein sequence and biophysical properties (such as structural, functional, and spatial information, amino acid conservation, physicochemical variation, residue mobility, and thermodynamic stability) indicates that this missense variant is expected to disrupt EGFR protein function with a positive predictive value of 80%. Algorithms developed to predict the effect of sequence changes on RNA splicing suggest that this variant may disrupt the consensus splice site. In summary, the available evidence is currently insufficient to determine the role of this variant in disease. Therefore, it has been classified as a Variant of Uncertain Significance.